The following is an entry in ClinVar:

NM_000844.4(GRM7):c.1361A>G (p.Asn454Ser)

Gene: GRM7 (glutamate metabotropic receptor 7; plus strand). Cytogenetic location: 3p26.1.
Variant type: single nucleotide variant.
Coding change: c.1361A>G on transcript NM_000844.4 (MANE Select); coding-DNA position 1361, A replaced by G.
Protein change: p.Asn454Ser; replaces asparagine 454 with serine.
Molecular consequence: missense variant.
Genome position (GRCh38, 1-based): chr3:7,452,793, A>G. VCF-style: chr3-7452793-A-G. GRCh37 (hg19) VCF-style: chr3-7494480-A-G.
Other names: c.1361A>G, p.Asn454Ser (NM_181874.3); short protein forms N454S.
Identifiers: ClinVar variation 1360896 (VCV001360896.8), dbSNP rs1697829173, ClinGen allele CA351798767.

ClinVar aggregate classification (germline): Uncertain significance (1 of 4 stars; one submission).

Allele frequency attached by ClinVar (database versions not stated): gnomAD exomes 0.00001; gnomAD 0.00001.
gnomAD v4.1: 5 of 1,609,406 alleles (0.00031%); highest among the groups gnomAD compares: Admixed American, 0.0017%; no homozygotes.

Submission:

Labcorp Genetics (formerly Invitae), Labcorp
Classification: Uncertain significance. Last evaluated: 2025-09-09. Review status: criteria provided, single submitter. Criteria: Invitae Variant Classification Sherloc (09022015). Collection method: clinical testing. Allele origin: germline.
Comment: This sequence change replaces asparagine, which is neutral and polar, with serine, which is neutral and polar, at codon 454 of the GRM7 protein (p.Asn454Ser). This variant is not present in population databases (gnomAD no frequency). This variant has not been reported in the literature in individuals affected with GRM7-related conditions. ClinVar contains an entry for this variant (Variation ID: 1360896). Invitae Evidence Modeling of protein sequence and biophysical properties (such as structural, functional, and spatial information, amino acid conservation, physicochemical variation, residue mobility, and thermodynamic stability) indicates that this missense variant is not expected to disrupt GRM7 protein function with a negative predictive value of 80%. In summary, the available evidence is currently insufficient to determine the role of this variant in disease. Therefore, it has been classified as a Variant of Uncertain Significance.